The following is an entry in ClinVar:

NM_201596.3(CACNB2):c.641G>A (p.Ser214Asn)

Gene: CACNB2 (calcium voltage-gated channel auxiliary subunit beta 2; plus strand). Cytogenetic location: 10p12.31.
Variant type: single nucleotide variant.
Coding change: c.641G>A on transcript NM_201596.3 (MANE Select); coding-DNA position 641, G replaced by A.
Protein change: p.Ser214Asn; replaces serine 214 with asparagine.
Molecular consequence: missense variant.
Genome position (GRCh38, 1-based): chr10:18,506,518, G>A. VCF-style: chr10-18506518-G-A. GRCh37 (hg19) VCF-style: chr10-18795447-G-A.
Other names: c.476G>A, p.Ser159Asn (NM_000724.4, NM_001330060.2); c.557G>A, p.Ser186Asn (NM_001167945.2, NM_201571.4, NM_201572.4); c.497G>A, p.Ser166Asn (NM_001410882.1, NM_201570.3); c.479G>A, p.Ser160Asn (NM_201590.3); c.641G>A, p.Ser214Asn (NM_201593.3, NM_201597.3); short protein forms S166N, S160N, S159N, S186N, S214N.
Identifiers: ClinVar variation 1898916 (VCV001898916.5), dbSNP rs149253719, ClinGen allele CA5429680.

ClinVar aggregate classification (germline): Uncertain significance (1 of 4 stars; one submission).

Conditions:
Brugada syndrome 4 (BRGDA4). Identifiers: Orphanet 130, MedGen C2678477, MONDO:0012743, OMIM 611876.

gnomAD v4.1: 1 of 1,611,724 alleles (0.000062%); highest among the groups gnomAD compares: Non-Finnish European, 0.000085%; no homozygotes.

Submission:

Labcorp Genetics (formerly Invitae), Labcorp
Classification: Uncertain significance for Brugada syndrome 4. Last evaluated: 2021-12-24. Review status: criteria provided, single submitter. Criteria: Invitae Variant Classification Sherloc (09022015). Collection method: clinical testing. Allele origin: germline.
Comment: This sequence change replaces serine, which is neutral and polar, with asparagine, which is neutral and polar, at codon 160 of the CACNB2 protein (p.Ser160Asn). The frequency data for this variant in the population databases is considered unreliable, as metrics indicate poor data quality at this position in the gnomAD database. This variant has not been reported in the literature in individuals affected with CACNB2-related conditions. Algorithms developed to predict the effect of missense changes on protein structure and function (SIFT, PolyPhen-2, Align-GVGD) all suggest that this variant is likely to be tolerated. In summary, the available evidence is currently insufficient to determine the role of this variant in disease. Therefore, it has been classified as a Variant of Uncertain Significance.